The following is an entry in ClinVar:

NM_004993.6(ATXN3):c.991+86T>C

Gene: ATXN3 (ataxin 3; minus strand). Cytogenetic location: 14q32.12.
Variant type: single nucleotide variant.
Coding change: c.991+86T>C on transcript NM_004993.6 (MANE Select); 86 bases into the intron after coding-DNA position 991, T replaced by C.
Molecular consequence: intron variant.
Genome position (GRCh38, 1-based): chr14:92,070,849, A>G on the plus strand (T>C on the coding strand, the complement: ATXN3 is on the minus strand). VCF-style: chr14-92070849-A-G. GRCh37 (hg19) VCF-style: chr14-92537193-A-G.
Other names: c.*41+86T>C (NM_001164782.2, NM_001164777.2, NM_001164774.2 and 2 more transcripts); c.628+86T>C (NM_001164779.2); c.454+86T>C (NM_001164780.2); c.781+86T>C (NM_001164781.2); c.826+86T>C (NM_030660.5); c.946+86T>C (NM_001127696.2); c.838+86T>C (NM_001127697.3).
Identifiers: ClinVar variation 2644466 (VCV002644466.24), dbSNP rs1418051273, ClinGen allele CA709937267.

ClinVar aggregate classification (germline): Likely benign (1 of 4 stars; one submission).

Allele frequency attached by ClinVar (database versions not stated): TOPMed below 0.00001; gnomAD 0.00001.
gnomAD v4.1: 1 of 1,612,408 alleles (0.000062%); highest among the groups gnomAD compares: Non-Finnish European, 0.000085%; no homozygotes.

Submission:

CeGaT Center for Human Genetics Tuebingen
Classification: Likely benign. Last evaluated: 2022-12-01. Review status: criteria provided, single submitter. Criteria: CeGaT Center For Human Genetics Tuebingen Variant Classification Criteria Version 2. Collection method: clinical testing. Allele origin: germline. Affected: yes. Observed: 1 variant allele.
Comment: ATXN3: BP4, BP7